The following is an entry in ClinVar:

NM_001164665.2(KIAA1549):c.3164C>G (p.Pro1055Arg)

Gene: KIAA1549 (KIAA1549; minus strand). Cytogenetic location: 7q34.
Variant type: single nucleotide variant.
Coding change: c.3164C>G on transcript NM_001164665.2 (MANE Select); coding-DNA position 3164, C replaced by G.
Protein change: p.Pro1055Arg; replaces proline 1055 with arginine.
Molecular consequence: missense variant.
Genome position (GRCh38, 1-based): chr7:138,909,103, G>C on the plus strand (C>G on the coding strand, the complement: KIAA1549 is on the minus strand). VCF-style: chr7-138909103-G-C. GRCh37 (hg19) VCF-style: chr7-138593849-G-C.
Other names: c.3164C>G, p.Pro1055Arg (NM_020910.3); short protein forms P1055R.
Identifiers: ClinVar variation 1425212 (VCV001425212.3), dbSNP rs368584498, ClinGen allele CA369387583.

ClinVar aggregate classification (germline): Uncertain significance (1 of 4 stars; one submission).

Submission:

Labcorp Genetics (formerly Invitae), Labcorp
Classification: Uncertain significance. Last evaluated: 2021-11-14. Review status: criteria provided, single submitter. Criteria: Invitae Variant Classification Sherloc (09022015). Collection method: clinical testing. Allele origin: germline.
Comment: This sequence change replaces proline, which is neutral and non-polar, with arginine, which is basic and polar, at codon 1055 of the KIAA1549 protein (p.Pro1055Arg). This variant is not present in population databases (gnomAD no frequency). This variant has not been reported in the literature in individuals affected with KIAA1549-related conditions. Algorithms developed to predict the effect of missense changes on protein structure and function are either unavailable or do not agree on the potential impact of this missense change (SIFT: "Tolerated"; PolyPhen-2: "Possibly Damaging"; Align-GVGD: "Class C0"). In summary, the available evidence is currently insufficient to determine the role of this variant in disease. Therefore, it has been classified as a Variant of Uncertain Significance.